The following is an entry in ClinVar:

NM_001040664.3(PPAN-P2RY11):c.2142C>A (p.Ala714=)

Genes: P2RY11 (purinergic receptor P2Y11; plus strand), PPAN-P2RY11 (PPAN-P2RY11 readthrough; plus strand). Cytogenetic location: 19p13.2.
Variant type: single nucleotide variant.
Coding change: c.2142C>A on transcript NM_001040664.3; coding-DNA position 2142, C replaced by A.
Protein change: p.Ala714=; no amino-acid change (alanine 714 retained).
Molecular consequence: synonymous variant. On other transcripts: 3 prime UTR variant (1).
Genome position (GRCh38, 1-based): chr19:10,114,495, C>A. VCF-style: chr19-10114495-C-A. GRCh37 (hg19) VCF-style: chr19-10225171-C-A.
Other names: c.882C>A, p.Ala294= (NM_002566.5); c.*641C>A (NM_001198690.2).
Identifiers: ClinVar variation 3355491 (VCV003355491.1).

ClinVar aggregate classification (germline): Likely benign (0 of 4 stars; one submission).

Conditions:
PPAN-P2RY11-related disorder. Also called: PPAN-P2RY11-related condition.

Submission:

PreventionGenetics, part of Exact Sciences
Classification: Likely benign for PPAN-P2RY11-related condition. Last evaluated: 2019-09-17. Review status: no assertion criteria provided. Collection method: clinical testing. Allele origin: germline.
Comment: This variant is classified as likely benign based on ACMG/AMP sequence variant interpretation guidelines (Richards et al. 2015 PMID: 25741868, with internal and published modifications).